The following is an entry in ClinVar:

NM_002067.5(GNA11):c.671C>T (p.Thr224Ile)

Gene: GNA11 (G protein subunit alpha 11; plus strand). Cytogenetic location: 19p13.3.
Variant type: single nucleotide variant.
Coding change: c.671C>T on transcript NM_002067.5 (MANE Select); coding-DNA position 671, C replaced by T.
Protein change: p.Thr224Ile; replaces threonine 224 with isoleucine.
Molecular consequence: missense variant.
Genome position (GRCh38, 1-based): chr19:3,118,989, C>T. VCF-style: chr19-3118989-C-T. GRCh37 (hg19) VCF-style: chr19-3118987-C-T.
Other names: short protein forms T224I.
Identifiers: ClinVar variation 5001745 (VCV005001745.1).

ClinVar aggregate classification (germline): Uncertain significance (1 of 4 stars; one submission).

Conditions:
GNA11-related disorder. Also called: GNA11-related condition.

Submission:

PreventionGenetics, part of Exact Sciences
Classification: Uncertain significance for GNA11-related condition. Last evaluated: 2025-04-16. Review status: criteria provided, single submitter. Criteria: ACMG Guidelines, 2015. Collection method: clinical testing. Allele origin: germline.
Comment: The GNA11 c.671C>T variant is predicted to result in the amino acid substitution p.Thr224Ile. To our knowledge, this variant has not been reported in the literature or in a large population database (gnomAD), indicating this variant is rare. At this time, the clinical significance of this variant is uncertain due to the absence of conclusive functional and genetic evidence.